The following is an entry in ClinVar:

ClinVar aggregate classification (germline): Benign/Likely benign. Review status: criteria provided, multiple submitters, no conflicts (2 of 4 stars). 12 submissions from 12 submitters: Benign (6); Likely benign (1). 5 of the submissions do not count toward it. Last evaluated 2026-02-04.

Conditions:
Arrhythmogenic right ventricular dysplasia 5. Also called: Arrhythmogenic Right Ventricular Dysplasia/Cardiomyopathy 5; ARRHYTHMOGENIC RIGHT VENTRICULAR DYSPLASIA, FAMILIAL, 5. Identifiers: MedGen C1858379, MONDO:0011459, OMIM 604400.

Allele frequency attached by ClinVar (database versions not stated): 1000 Genomes Project 30x 0.00781; 1000 Genomes Project 0.00799; TOPMed 0.01410; ESP Exome Variant Server 0.01692.
gnomAD v4.1: 32,180 of 1,605,130 alleles (2%); highest among the groups gnomAD compares: Non-Finnish European, 2.5%; 408 homozygotes.

Submissions (12):

Labcorp Genetics (formerly Invitae), Labcorp
Classification: Benign for Arrhythmogenic right ventricular dysplasia 5. Last evaluated: 2026-02-04. Review status: criteria provided, single submitter. Criteria: Invitae Variant Classification Sherloc (09022015). Collection method: clinical testing. Allele origin: germline.

ARUP Laboratories, Molecular Genetics and Genomics, ARUP Laboratories
Classification: Benign. Last evaluated: 2025-07-23. Review status: criteria provided, single submitter. Criteria: ARUP Molecular Germline Variant Investigation Process 2024. Collection method: clinical testing. Allele origin: germline.

Blueprint Genetics
Classification: Likely benign. Last evaluated: 2024-11-26. Review status: criteria provided, single submitter. Criteria: ACMG Guidelines, 2015. Collection method: clinical testing. Allele origin: germline.

Women's Health and Genetics/Laboratory Corporation of America, LabCorp
Classification: Benign. Last evaluated: 2019-09-16. Review status: criteria provided, single submitter. Criteria: LabCorp Variant Classification Summary - May 2015. Collection method: clinical testing. Allele origin: germline.
Comment: Variant summary: TMEM43 c.512+19G>T alters a non-conserved nucleotide located close to a canonical splice site and therefore could affect mRNA splicing, leading to a significantly altered protein sequence. 5/5 computational tools predict no significant impact on normal splicing. However, these predictions have yet to be confirmed by functional studies. The variant allele was found at a frequency of 0.013 in 251384 control chromosomes in the gnomAD database, including 35 homozygotes. The observed variant frequency is approximately 1568.59 fold of the estimated maximal expected allele frequency for a pathogenic variant in TMEM43 causing Arrhythmogenic Right Ventricular Dysplasia/Cardiomyopathy phenotype (8.3e-06), strongly suggesting that the variant is benign. c.512+19G>T has been reported in the literature in individuals affected with Arrhythmogenic Right Ventricular Dysplasia/Cardiomyopathy. These report(s) do not provide unequivocal conclusions about association of the variant with Arrhythmogenic Right Ventricular Dysplasia/Cardiomyopathy. To our knowledge, no experimental evidence demonstrating an impact on protein function has been reported. No clinical diagnostic laboratories have submitted clinical-significance assessments for this variant to ClinVar after 2014. Based on the evidence outlined above, the variant was classified as benign.

GeneDx
Classification: Benign. Last evaluated: 2015-03-03. Review status: criteria provided, single submitter. Criteria: GeneDx Variant Classification Process June 2021. Collection method: clinical testing. Allele origin: germline. Affected: yes.

Breakthrough Genomics
Classification: Benign. Review status: criteria provided, single submitter. Criteria: ACMG Guidelines, 2015. Collection method: not provided. Allele origin: germline. Inheritance: Autosomal dominant inheritance. Affected: yes.

PreventionGenetics, part of Exact Sciences
Classification: Benign. Review status: criteria provided, single submitter. Criteria: ACMG Guidelines, 2015. Collection method: clinical testing. Allele origin: germline.

Clinical Genetics DNA and cytogenetics Diagnostics Lab, Erasmus MC, Erasmus Medical Center
Classification: Benign. Review status: no assertion criteria provided. Collection method: clinical testing. Allele origin: germline. Affected: yes. Study: VKGL Data-share Consensus. Not counted in ClinVar's aggregate classification.

Clinical Genetics, Academic Medical Center
Classification: Benign. Review status: no assertion criteria provided. Collection method: clinical testing. Allele origin: germline. Affected: yes. Study: VKGL Data-share Consensus. Not counted in ClinVar's aggregate classification.

Diagnostic Laboratory, Department of Genetics, University Medical Center Groningen
Classification: Likely benign. Review status: no assertion criteria provided. Collection method: clinical testing. Allele origin: germline. Affected: yes. Study: VKGL Data-share Consensus. Not counted in ClinVar's aggregate classification.

Genome Diagnostics Laboratory, University Medical Center Utrecht
Classification: Benign. Review status: no assertion criteria provided. Collection method: clinical testing. Allele origin: germline. Affected: yes. Study: VKGL Data-share Consensus. Not counted in ClinVar's aggregate classification.

Joint Genome Diagnostic Labs from Nijmegen and Maastricht, Radboudumc and MUMC+
Classification: Benign. Review status: no assertion criteria provided. Collection method: clinical testing. Allele origin: germline. Affected: yes. Study: VKGL Data-share Consensus. Not counted in ClinVar's aggregate classification.

Literature cited by the submitters: PubMed 21214875 (cited by Women's Health and Genetics/Laboratory Corporation of America, LabCorp).

NM_024334.3(TMEM43):c.512+19G>T

Gene: TMEM43 (transmembrane protein 43; plus strand). Cytogenetic location: 3p25.1.
Variant type: single nucleotide variant.
Coding change: c.512+19G>T on transcript NM_024334.3 (MANE Select); 19 bases into the intron after coding-DNA position 512, G replaced by T.
Molecular consequence: intron variant.
Genome position (GRCh38, 1-based): chr3:14,132,954, G>T. VCF-style: chr3-14132954-G-T. GRCh37 (hg19) VCF-style: chr3-14174454-G-T.
Identifiers: ClinVar variation 261698 (VCV000261698.36), dbSNP rs114026215, ClinGen allele CA054017.